The following is an entry in ClinVar:

NM_001134407.3(GRIN2A):c.1652-79A>G

Gene: GRIN2A (glutamate ionotropic receptor NMDA type subunit 2A; minus strand). Cytogenetic location: 16p13.2.
Variant type: single nucleotide variant.
Coding change: c.1652-79A>G on transcript NM_001134407.3 (MANE Select); 79 bases into the intron before coding-DNA position 1652, A replaced by G.
Molecular consequence: intron variant.
Genome position (GRCh38, 1-based): chr16:9,834,309, T>C on the plus strand (A>G on the coding strand, the complement: GRIN2A is on the minus strand). VCF-style: chr16-9834309-T-C. GRCh37 (hg19) VCF-style: chr16-9928166-T-C.
Other names: c.1652-79A>G (NM_001134408.2, NM_000833.5).
Identifiers: ClinVar variation 673240 (VCV000673240.1), dbSNP rs566252728, ClinGen allele CA278180665.

ClinVar aggregate classification (germline): Likely benign (1 of 4 stars; one submission).

Allele frequency attached by ClinVar (database versions not stated): gnomAD exomes 0.00064; 1000 Genomes Project 0.00220; 1000 Genomes Project 30x 0.00297; gnomAD 0.00336 and 0.00359; TOPMed 0.00379.
gnomAD v4.1: 1,368 of 1,376,634 alleles (0.099%); highest among the groups gnomAD compares: African/African-American, 1%; 5 homozygotes.

Submission:

GeneDx
Classification: Likely benign. Last evaluated: 2018-06-16. Review status: criteria provided, single submitter. Criteria: GeneDx Variant Classification (06012015). Collection method: clinical testing. Allele origin: germline. Affected: yes.
Comment: This variant is considered likely benign or benign based on one or more of the following criteria: it is a conservative change, it occurs at a poorly conserved position in the protein, it is predicted to be benign by multiple in silico algorithms, and/or has population frequency not consistent with disease.